The following is an entry in ClinVar:

ClinVar aggregate classification (germline): Benign (1 of 4 stars; one submission).

Allele frequency attached by ClinVar (database versions not stated): gnomAD 0.04714 and 0.05039; TOPMed 0.05243; 1000 Genomes Project 0.05811; 1000 Genomes Project 30x 0.06027.

Submission:

GeneDx
Classification: Benign. Last evaluated: 2017-02-07. Review status: criteria provided, single submitter. Criteria: GeneDx Variant Classification (06012015). Collection method: clinical testing. Allele origin: germline. Affected: yes.
Comment: This variant is considered likely benign or benign based on one or more of the following criteria: it is a conservative change, it occurs at a poorly conserved position in the protein, it is predicted to be benign by multiple in silico algorithms, and/or has population frequency not consistent with disease.

NM_000103.4(CYP19A1):c.-39+14555C>T

Gene: CYP19A1 (cytochrome P450 family 19 subfamily A member 1; minus strand). Cytogenetic location: 15q21.2.
Variant type: single nucleotide variant.
Coding change: c.-39+14555C>T on transcript NM_000103.4 (MANE Select); 14555 bases into the intron after 39 bases upstream of the start codon, C replaced by T.
Molecular consequence: intron variant.
Genome position (GRCh38, 1-based): chr15:51,323,940, G>A on the plus strand (C>T on the coding strand, the complement: CYP19A1 is on the minus strand). VCF-style: chr15-51323940-G-A. GRCh37 (hg19) VCF-style: chr15-51616137-G-A.
Other names: c.-147-16C>T (NM_031226.3).
Identifiers: ClinVar variation 516579 (VCV000516579.1), dbSNP rs28757081, ClinGen allele CA270564365.